The following is an entry in ClinVar:

NM_001130987.2(DYSF):c.6021G>A (p.Trp2007Ter)

Gene: DYSF (dysferlin; plus strand). Cytogenetic location: 2p13.2.
Variant type: single nucleotide variant.
Coding change: c.6021G>A on transcript NM_001130987.2 (MANE Select); coding-DNA position 6021, G replaced by A.
Protein change: p.Trp2007Ter; replaces tryptophan 2007 with a stop codon.
Molecular consequence: nonsense.
Genome position (GRCh38, 1-based): chr2:71,679,193, G>A. VCF-style: chr2-71679193-G-A. GRCh37 (hg19) VCF-style: chr2-71906323-G-A.
Other names: c.5904G>A, p.Trp1968Ter (NM_003494.4); c.5907G>A, p.Trp1969Ter (NM_001130455.2); c.5862G>A, p.Trp1954Ter (NM_001130976.2); c.5925G>A, p.Trp1975Ter (NM_001130977.2); c.5967G>A, p.Trp1989Ter (NM_001130978.2); c.5997G>A, p.Trp1999Ter (NM_001130979.2); c.5955G>A, p.Trp1985Ter (NM_001130980.2); c.6018G>A, p.Trp2006Ter (NM_001130981.2); and 5 more; short protein forms W1968*, W2007*, W1954*, W1955*, W1969*, W1989*, W1990*, W1975*.
Identifiers: ClinVar variation 489098 (VCV000489098.9), dbSNP rs1553420848, ClinGen allele CA347226507.

ClinVar aggregate classification (germline): Pathogenic/Likely pathogenic. Review status: criteria provided, multiple submitters, no conflicts (2 of 4 stars). 3 submissions from 3 submitters: Pathogenic (2); Likely pathogenic (1). Last evaluated 2025-04-04.

Conditions:
Autosomal recessive limb-girdle muscular dystrophy. Identifiers: Orphanet 102015, MedGen C2931907, MONDO:0015152.
Neuromuscular disease caused by qualitative or quantitative defects of dysferlin. Also called: Dysferlinopathy; Qualitative or quantitative defects of dysferlin. Identifiers: Orphanet 207073, MedGen C2931687, MONDO:0016145.

Allele frequency attached by ClinVar (database versions not stated): TOPMed below 0.00001; gnomAD 0.00001.
gnomAD v4.1: 1 of 1,613,972 alleles (0.000062%); highest among the groups gnomAD compares: African/African-American, 0.0013%; no homozygotes.

Submissions (3):

GeneDx
Classification: Pathogenic. Last evaluated: 2025-04-04. Review status: criteria provided, single submitter. Criteria: GeneDx Variant Classification Process June 2021. Collection method: clinical testing. Allele origin: germline. Affected: yes.
Comment: Functional studies demonstrate a damaging effect of the W1968X variant due to absence of dysferlin protein in patient body tissues (PMID: 17070050); Nonsense variant predicted to result in protein truncation or nonsense mediated decay in a gene for which loss of function is a known mechanism of disease; Not observed at significant frequency in large population cohorts (gnomAD); This variant is associated with the following publications: (PMID: 25135358, 16010686, 22194990, 17070050)

Labcorp Genetics (formerly Invitae), Labcorp
Classification: Pathogenic for Neuromuscular disease caused by qualitative or quantitative defects of dysferlin. Last evaluated: 2024-10-22. Review status: criteria provided, single submitter. Criteria: Invitae Variant Classification Sherloc (09022015). Collection method: clinical testing. Allele origin: germline.
Comment: This sequence change creates a premature translational stop signal (p.Trp1968*) in the DYSF gene. It is expected to result in an absent or disrupted protein product. Loss-of-function variants in DYSF are known to be pathogenic (PMID: 17698709, 20301480). This variant is not present in population databases (gnomAD no frequency). This premature translational stop signal has been observed in individual(s) with DYSF-related conditions (PMID: 16010686, 22194990). ClinVar contains an entry for this variant (Variation ID: 489098). For these reasons, this variant has been classified as Pathogenic.

Women's Health and Genetics/Laboratory Corporation of America, LabCorp
Classification: Likely pathogenic for Autosomal recessive limb-girdle muscular dystrophy. Last evaluated: 2022-12-21. Review status: criteria provided, single submitter. Criteria: LabCorp Variant Classification Summary - May 2015. Collection method: clinical testing. Allele origin: germline.
Comment: Variant summary: DYSF c.5904G>A (p.Trp1968X) results in a premature termination codon, predicted to cause a truncation of the encoded protein or absence of the protein due to nonsense mediated decay, which are commonly known mechanisms for disease. Truncations downstream of this position are classified as pathogenic in ClinVar. The variant was absent in 251446 control chromosomes. p.Trp1968X has been reported in patients with Dysferlinopathy and Limb-Girdle Muscular Dystrophy (Nguyen_2005, De Luna_2007, Gallardo_2011). These data indicate that the variant may be associated with disease. To our knowledge, no experimental evidence demonstrating an impact on protein function has been reported. Two clinical diagnostic laboratories have submitted clinical-significance assessments for this variant to ClinVar after 2014 and classified the variant as pathogenic. Based on the evidence outlined above, the variant was classified as likely pathogenic.

Literature cited by the submitters: PubMed 17698709 (cited by Labcorp Genetics (formerly Invitae), Labcorp and Women's Health and Genetics/Laboratory Corporation of America, LabCorp); PubMed 20301480 (cited by Labcorp Genetics (formerly Invitae), Labcorp); PubMed 16010686 (cited by Labcorp Genetics (formerly Invitae), Labcorp); PubMed 22194990 (cited by Labcorp Genetics (formerly Invitae), Labcorp and Women's Health and Genetics/Laboratory Corporation of America, LabCorp); PubMed 17070050 (cited by Women's Health and Genetics/Laboratory Corporation of America, LabCorp).